The following is an entry in ClinVar:

NM_001371928.1(AHDC1):c.4324G>A (p.Ala1442Thr)

Gene: AHDC1 (AT-hook DNA binding motif containing 1; minus strand). Cytogenetic location: 1p36.11.
Variant type: single nucleotide variant.
Coding change: c.4324G>A on transcript NM_001371928.1 (MANE Select); coding-DNA position 4324, G replaced by A.
Protein change: p.Ala1442Thr; replaces alanine 1442 with threonine.
Molecular consequence: missense variant.
Genome position (GRCh38, 1-based): chr1:27,547,792, C>T on the plus strand (G>A on the coding strand, the complement: AHDC1 is on the minus strand). VCF-style: chr1-27547792-C-T. GRCh37 (hg19) VCF-style: chr1-27874303-C-T.
Other names: c.4324G>A, p.Ala1442Thr (NM_001029882.3); c.280G>A, p.Ala94Thr (NM_015699.1); c.4324G>A (NM_001029882.2); short protein forms A94T, A1442T.
Identifiers: ClinVar variation 1940539 (VCV001940539.6), dbSNP rs1196298684, ClinGen allele CA339222754.

ClinVar aggregate classification (germline): Uncertain significance. Review status: criteria provided, multiple submitters, no conflicts (2 of 4 stars). 2 submissions from 2 submitters: Uncertain significance (2). Last evaluated 2025-05-26.

Conditions:
Inborn genetic diseases. Identifiers: MedGen C0950123, MeSH D030342.

Allele frequency attached by ClinVar (database versions not stated): gnomAD 0.00001; gnomAD exomes 0.00001; TOPMed 0.00001.
gnomAD v4.1: 9 of 1,570,314 alleles (0.00057%); highest among the groups gnomAD compares: Non-Finnish European, 0.00069%; no homozygotes.

Submissions (2):

Ambry Genetics
Classification: Uncertain significance for Inborn genetic diseases. Last evaluated: 2025-05-26. Review status: criteria provided, single submitter. Criteria: Ambry Variant Classification Scheme 2023. Collection method: clinical testing. Allele origin: germline.

Labcorp Genetics (formerly Invitae), Labcorp
Classification: Uncertain significance. Last evaluated: 2022-04-25. Review status: criteria provided, single submitter. Criteria: Invitae Variant Classification Sherloc (09022015). Collection method: clinical testing. Allele origin: germline.
Comment: In summary, the available evidence is currently insufficient to determine the role of this variant in disease. Therefore, it has been classified as a Variant of Uncertain Significance. Algorithms developed to predict the effect of missense changes on protein structure and function are either unavailable or do not agree on the potential impact of this missense change (SIFT: "Tolerated"; PolyPhen-2: "Possibly Damaging"; Align-GVGD: "Class C0"). This variant has not been reported in the literature in individuals affected with AHDC1-related conditions. The frequency data for this variant in the population databases is considered unreliable, as metrics indicate poor data quality at this position in the gnomAD database. This sequence change replaces alanine, which is neutral and non-polar, with threonine, which is neutral and polar, at codon 1442 of the AHDC1 protein (p.Ala1442Thr).